The following is an entry in ClinVar:

ClinVar aggregate classification (germline): Conflicting classifications of pathogenicity. Review status: criteria provided, conflicting classifications (1 of 4 stars). 7 submissions from 7 submitters: Uncertain significance (2); Likely benign (3). 2 of the submissions do not count toward it. Last evaluated 2026-01-15.

Conditions:
Microcephaly. Also called: Microcephaly (disease). Identifiers: MedGen C4551563, MONDO:0001149, HP:0000252.
VPS33B-related disorder. Also called: VPS33B-related condition.
Arthrogryposis, renal dysfunction, and cholestasis 1 (ARCS1). Identifiers: Orphanet 2697, MedGen C1859722, MONDO:0008822, OMIM 208085.

Allele frequency attached by ClinVar (database versions not stated): ESP Exome Variant Server 0.00031; TOPMed 0.00035; 1000 Genomes Project 30x 0.00078; 1000 Genomes Project 0.00080; gnomAD exomes 0.00083 and 0.00140; gnomAD 0.00114 and 0.00118; ExAC 0.00116.
gnomAD v4.1: 1,399 of 1,614,130 alleles (0.087%); highest among the groups gnomAD compares: East Asian, 0.55%; 5 homozygotes.

Submissions (7):

Labcorp Genetics (formerly Invitae), Labcorp
Classification: Likely benign. Last evaluated: 2026-01-15. Review status: criteria provided, single submitter. Criteria: Invitae Variant Classification Sherloc (09022015). Collection method: clinical testing. Allele origin: germline.

Blueprint Genetics
Classification: Likely benign. Last evaluated: 2024-09-04. Review status: criteria provided, single submitter. Criteria: ACMG Guidelines, 2015. Collection method: clinical testing. Allele origin: germline.

Mayo Clinic Laboratories, Mayo Clinic
Classification: Uncertain significance. Last evaluated: 2021-05-28. Review status: criteria provided, single submitter. Criteria: ACMG Guidelines, 2015. Collection method: clinical testing. Allele origin: germline.

Illumina Laboratory Services, Illumina
Classification: Uncertain significance for Arthrogryposis, renal dysfunction, and cholestasis 1. Last evaluated: 2018-01-13. Review status: criteria provided, single submitter. Criteria: ICSL Variant Classification Criteria 13 December 2019. Collection method: clinical testing. Allele origin: germline.

Eurofins Ntd Llc (ga)
Classification: Likely benign. Last evaluated: 2017-10-06. Review status: criteria provided, single submitter. Criteria: EGL Classification Definitions 2015. Collection method: clinical testing. Allele origin: germline. Observed: 1 variant allele, 1 heterozygote.

PreventionGenetics, part of Exact Sciences
Classification: Benign for VPS33B-related condition. Last evaluated: 2020-06-29. Review status: no assertion criteria provided. Collection method: clinical testing. Allele origin: germline. Not counted in ClinVar's aggregate classification.
Comment: This variant is classified as benign based on ACMG/AMP sequence variant interpretation guidelines (Richards et al. 2015 PMID: 25741868, with internal and published modifications).

Department of Pediatrics, Samsung Medical Center, Samsung Medical Center
Classification: Uncertain significance for Microcephaly. Review status: no assertion criteria provided. Criteria: ACMG Guidelines, 2015. Collection method: research. Allele origin: germline. Affected: yes. Not counted in ClinVar's aggregate classification.

NM_018668.5(VPS33B):c.1148T>C (p.Ile383Thr)

Gene: VPS33B (VPS33B late endosome and lysosome associated; minus strand). Cytogenetic location: 15q26.1.
Variant type: single nucleotide variant.
Coding change: c.1148T>C on transcript NM_018668.5 (MANE Select); coding-DNA position 1148, T replaced by C.
Protein change: p.Ile383Thr; replaces isoleucine 383 with threonine.
Molecular consequence: missense variant.
Genome position (GRCh38, 1-based): chr15:91,005,077, A>G on the plus strand (T>C on the coding strand, the complement: VPS33B is on the minus strand). VCF-style: chr15-91005077-A-G. GRCh37 (hg19) VCF-style: chr15-91548307-A-G.
Other names: p.Ile383Thr; c.1067T>C, p.Ile356Thr (NM_001289148.1); c.875T>C, p.Ile292Thr (NM_001289149.1); short protein forms I383T, I356T, I292T.
Identifiers: ClinVar variation 317423 (VCV000317423.23), dbSNP rs149121639, ClinGen allele CA7744773.